The following is an entry in ClinVar:

ClinVar aggregate classification (germline): Uncertain significance. Review status: criteria provided, multiple submitters, no conflicts (2 of 4 stars). 4 submissions from 4 submitters: Uncertain significance (4). Last evaluated 2022-09-19.

Conditions:
Prolidase deficiency. Identifiers: Orphanet 742, MedGen C0268532, MONDO:0008221, OMIM 170100.
Inborn genetic diseases. Identifiers: MedGen C0950123, MeSH D030342.

Allele frequency attached by ClinVar (database versions not stated): 1000 Genomes Project 30x 0.00016; gnomAD exomes 0.00028 and 0.00031; TOPMed 0.00029; gnomAD 0.00030; ESP Exome Variant Server 0.00032; ExAC 0.00044.
gnomAD v4.1: 460 of 1,610,938 alleles (0.029%); highest among the groups gnomAD compares: Middle Eastern, 0.099%; 2 homozygotes.

Submissions (4):

Labcorp Genetics (formerly Invitae), Labcorp
Classification: Uncertain significance. Last evaluated: 2022-09-19. Review status: criteria provided, single submitter. Criteria: Invitae Variant Classification Sherloc (09022015). Collection method: clinical testing. Allele origin: germline.
Comment: This sequence change replaces proline, which is neutral and non-polar, with leucine, which is neutral and non-polar, at codon 365 of the PEPD protein (p.Pro365Leu). This variant is present in population databases (rs200183031, gnomAD 0.07%). This variant has not been reported in the literature in individuals affected with PEPD-related conditions. ClinVar contains an entry for this variant (Variation ID: 328801). Algorithms developed to predict the effect of missense changes on protein structure and function (SIFT, PolyPhen-2, Align-GVGD) all suggest that this variant is likely to be disruptive. In summary, the available evidence is currently insufficient to determine the role of this variant in disease. Therefore, it has been classified as a Variant of Uncertain Significance.

Ambry Genetics
Classification: Uncertain significance for Inborn genetic diseases. Last evaluated: 2022-08-24. Review status: criteria provided, single submitter. Criteria: Ambry Variant Classification Scheme 2023. Collection method: clinical testing. Allele origin: germline.

Revvity Omics, Revvity
Classification: Uncertain significance for Prolidase deficiency. Last evaluated: 2020-08-04. Review status: criteria provided, single submitter. Criteria: ACMG Guidelines, 2015. Collection method: clinical testing. Allele origin: germline.

Illumina Laboratory Services, Illumina
Classification: Uncertain significance for Prolidase deficiency. Last evaluated: 2018-01-13. Review status: criteria provided, single submitter. Criteria: ICSL Variant Classification Criteria 13 December 2019. Collection method: clinical testing. Allele origin: germline.

NM_000285.4(PEPD):c.1094C>T (p.Pro365Leu)

Gene: PEPD (peptidase D; minus strand). Cytogenetic location: 19q13.11.
Variant type: single nucleotide variant.
Coding change: c.1094C>T on transcript NM_000285.4 (MANE Select); coding-DNA position 1094, C replaced by T.
Protein change: p.Pro365Leu; replaces proline 365 with leucine.
Molecular consequence: missense variant.
Genome position (GRCh38, 1-based): chr19:33,391,353, G>A on the plus strand (C>T on the coding strand, the complement: PEPD is on the minus strand). VCF-style: chr19-33391353-G-A. GRCh37 (hg19) VCF-style: chr19-33882259-G-A.
Other names: c.971C>T, p.Pro324Leu (NM_001166056.2); c.902C>T, p.Pro301Leu (NM_001166057.2); short protein forms P365L, P301L, P324L.
Identifiers: ClinVar variation 328801 (VCV000328801.9), dbSNP rs200183031, ClinGen allele CA9364011.